The following is an entry in ClinVar:

ClinVar aggregate classification (germline): Uncertain significance. Review status: criteria provided, multiple submitters, no conflicts (2 of 4 stars). 2 submissions from 2 submitters: Uncertain significance (2). Last evaluated 2024-10-07.

Conditions:
Oligodontia-cancer predisposition syndrome. Also called: TOOTH AGENESIS-COLORECTAL CANCER SYNDROME. Identifiers: Orphanet 300576, MedGen C1837750, MONDO:0012075, OMIM 608615. Disease mechanism: loss of function.
Hereditary cancer-predisposing syndrome. Also called: Neoplastic Syndromes, Hereditary; Tumor predisposition; Hereditary Cancer Syndrome; Hereditary neoplastic syndrome. Identifiers: Orphanet 140162, MedGen C0027672, MeSH D009386, MONDO:0015356.

gnomAD v4.1: 3 of 1,613,338 alleles (0.00019%); highest among the groups gnomAD compares: Non-Finnish European, 0.00025%; no homozygotes.

Submissions (2):

Ambry Genetics
Classification: Uncertain significance for Hereditary cancer-predisposing syndrome. Last evaluated: 2024-10-07. Review status: criteria provided, single submitter. Criteria: Ambry Variant Classification Scheme 2023. Collection method: clinical testing. Allele origin: germline.
Comment: The p.P670S variant (also known as c.2008C>T), located in coding exon 7 of the AXIN2 gene, results from a C to T substitution at nucleotide position 2008. The proline at codon 670 is replaced by serine, an amino acid with similar properties. This amino acid position is poorly conserved in available vertebrate species. In addition, this alteration is predicted to be tolerated by in silico analysis. Since supporting evidence is limited at this time, the clinical significance of this alteration remains unclear.

Labcorp Genetics (formerly Invitae), Labcorp
Classification: Uncertain significance for Oligodontia-cancer predisposition syndrome. Last evaluated: 2024-06-10. Review status: criteria provided, single submitter. Criteria: Invitae Variant Classification Sherloc (09022015). Collection method: clinical testing. Allele origin: germline.
Comment: This sequence change replaces proline, which is neutral and non-polar, with serine, which is neutral and polar, at codon 670 of the AXIN2 protein (p.Pro670Ser). This variant is not present in population databases (gnomAD no frequency). This variant has not been reported in the literature in individuals affected with AXIN2-related conditions. ClinVar contains an entry for this variant (Variation ID: 1784359). Advanced modeling of protein sequence and biophysical properties (such as structural, functional, and spatial information, amino acid conservation, physicochemical variation, residue mobility, and thermodynamic stability) performed at Invitae indicates that this missense variant is not expected to disrupt AXIN2 protein function with a negative predictive value of 80%. In summary, the available evidence is currently insufficient to determine the role of this variant in disease. Therefore, it has been classified as a Variant of Uncertain Significance.

NM_004655.4(AXIN2):c.2008C>T (p.Pro670Ser)

Gene: AXIN2 (axin 2; minus strand). Cytogenetic location: 17q24.1.
Variant type: single nucleotide variant.
Coding change: c.2008C>T on transcript NM_004655.4 (MANE Select); coding-DNA position 2008, C replaced by T.
Protein change: p.Pro670Ser; replaces proline 670 with serine.
Molecular consequence: missense variant.
Genome position (GRCh38, 1-based): chr17:65,536,453, G>A on the plus strand (C>T on the coding strand, the complement: AXIN2 is on the minus strand). VCF-style: chr17-65536453-G-A. GRCh37 (hg19) VCF-style: chr17-63532571-G-A.
Other names: c.1813C>T, p.Pro605Ser (NM_001363813.1); short protein forms P605S, P670S.
Identifiers: ClinVar variation 1784359 (VCV001784359.5), dbSNP rs2144442209, ClinGen allele CA400676162.
Genomic context (GRCh38, chr17:65,536,453, plus strand): 5'-GGGTCAGGGGAGGCATCGCAGGGTCCTGGGTGAACAGGTGGGCACGGGGGGTGGTGCGGG[G>A]GTGCCCGCTGTTGCCCCCCCACAGATGGTGCCGGCTGGCTCGTTCGCCTGGAGACGAGCG-3'
Protein context (NP_004646.3, residues 660-680): HHLWGGNSGH[Pro670Ser]RTTPRAHLFT